The following is an entry in ClinVar:

NM_001195263.2(PDZD7):c.623G>T (p.Arg208Leu)

Gene: PDZD7 (PDZ domain containing 7; minus strand). Cytogenetic location: 10q24.31.
Variant type: single nucleotide variant.
Coding change: c.623G>T on transcript NM_001195263.2 (MANE Select); coding-DNA position 623, G replaced by T.
Protein change: p.Arg208Leu; replaces arginine 208 with leucine.
Molecular consequence: missense variant.
Genome position (GRCh38, 1-based): chr10:101,022,305, C>A on the plus strand (G>T on the coding strand, the complement: PDZD7 is on the minus strand). VCF-style: chr10-101022305-C-A. GRCh37 (hg19) VCF-style: chr10-102782062-C-A.
Other names: c.623G>T, p.Arg208Leu (NM_001351044.2, NM_024895.5); c.623G>T (NM_001195263.1); short protein forms R208L.
Identifiers: ClinVar variation 999516 (VCV000999516.9), dbSNP rs201804536, ClinGen allele CA5654316.
Genomic context (GRCh38, chr10:101,022,305, plus strand): 5'-CCACGGATGTTGAAGCCCAGGCAGAAGTCGTCGGAGGTTGTGTATAGGTGGACGATGCGC[C>A]GGACACCATCTTCTGAGCTGGTGTCGGAGGGTGTTGAACCGCACTTCTCCACTACCAGGC-3'
Protein context (NP_001182192.1, residues 198-218): PSDTSSEDGV[Arg208Leu]RIVHLYTTSD

ClinVar aggregate classification (germline): Uncertain significance. Review status: criteria provided, multiple submitters, no conflicts (2 of 4 stars). 3 submissions from 3 submitters: Uncertain significance (3). Last evaluated 2025-05-28.

Conditions:
Inborn genetic diseases. Identifiers: MedGen C0950123, MeSH D030342.

Allele frequency attached by ClinVar (database versions not stated): TOPMed 0.00003.

Submissions (3):

Ambry Genetics
Classification: Uncertain significance for Inborn genetic diseases. Last evaluated: 2025-05-28. Review status: criteria provided, single submitter. Criteria: Ambry Variant Classification Scheme 2023. Collection method: clinical testing. Allele origin: germline.

Blueprint Genetics
Classification: Uncertain significance. Last evaluated: 2024-10-09. Review status: criteria provided, single submitter. Criteria: ACMG Guidelines, 2015. Collection method: clinical testing. Allele origin: germline.

Labcorp Genetics (formerly Invitae), Labcorp
Classification: Uncertain significance. Last evaluated: 2022-10-17. Review status: criteria provided, single submitter. Criteria: Invitae Variant Classification Sherloc (09022015). Collection method: clinical testing. Allele origin: germline.
Comment: This sequence change replaces arginine, which is basic and polar, with leucine, which is neutral and non-polar, at codon 208 of the PDZD7 protein (p.Arg208Leu). This variant is present in population databases (rs201804536, gnomAD 0.009%). This variant has not been reported in the literature in individuals affected with PDZD7-related conditions. ClinVar contains an entry for this variant (Variation ID: 999516). Advanced modeling of protein sequence and biophysical properties (such as structural, functional, and spatial information, amino acid conservation, physicochemical variation, residue mobility, and thermodynamic stability) performed at Invitae indicates that this missense variant is not expected to disrupt PDZD7 protein function. In summary, the available evidence is currently insufficient to determine the role of this variant in disease. Therefore, it has been classified as a Variant of Uncertain Significance.